The following is an entry in ClinVar:

NM_018486.3(HDAC8):c.625C>G (p.Pro209Ala)

Gene: HDAC8 (histone deacetylase 8; minus strand). Cytogenetic location: Xq13.1.
Variant type: single nucleotide variant.
Coding change: c.625C>G on transcript NM_018486.3 (MANE Select); coding-DNA position 625, C replaced by G.
Protein change: p.Pro209Ala; replaces proline 209 with alanine.
Molecular consequence: missense variant. On other transcripts: non-coding transcript variant (1), intron variant (3).
Genome position (GRCh38, 1-based): chrX:72,490,932, G>C on the plus strand (C>G on the coding strand, the complement: HDAC8 is on the minus strand). VCF-style: chrX-72490932-G-C. GRCh37 (hg19) VCF-style: chrX-71710782-G-C.
Other names: c.352C>G, p.Pro118Ala (NM_001166418.2, NM_001410728.1); c.625C>G, p.Pro209Ala (NM_001166419.2, NM_001410725.1, NM_001410729.1); c.551-1891C>G (NM_001410727.1, NM_001410730.1); c.278-1891C>G (NM_001166448.2); short protein forms P118A, P209A.
Identifiers: ClinVar variation 3361794 (VCV003361794.1).

ClinVar aggregate classification (germline): Uncertain significance (1 of 4 stars; one submission).

Submission:

GeneDx
Classification: Uncertain significance. Last evaluated: 2023-08-07. Review status: criteria provided, single submitter. Criteria: GeneDx Variant Classification Process June 2021. Collection method: clinical testing. Allele origin: germline. Affected: yes.
Comment: Not observed at significant frequency in large population cohorts (gnomAD); In silico analysis supports that this missense variant has a deleterious effect on protein structure/function; Has not been previously published as pathogenic or benign to our knowledge